The following is an entry in ClinVar:

NM_002470.4(MYH3):c.3348T>C (p.Ile1116=)

Gene: MYH3 (myosin heavy chain 3; minus strand). Cytogenetic location: 17p13.1.
Variant type: single nucleotide variant.
Coding change: c.3348T>C on transcript NM_002470.4 (MANE Select); coding-DNA position 3348, T replaced by C.
Protein change: p.Ile1116=; no amino-acid change (isoleucine 1116 retained).
Molecular consequence: synonymous variant.
Genome position (GRCh38, 1-based): chr17:10,638,424, A>G on the plus strand (T>C on the coding strand, the complement: MYH3 is on the minus strand). VCF-style: chr17-10638424-A-G. GRCh37 (hg19) VCF-style: chr17-10541741-A-G.
Identifiers: ClinVar variation 129657 (VCV000129657.25), dbSNP rs201626, ClinGen allele CA153791.

ClinVar aggregate classification (germline): Benign. Review status: criteria provided, multiple submitters, no conflicts (2 of 4 stars). 7 submissions from 6 submitters: Benign (7). Last evaluated 2026-02-03.

Conditions:
Distal arthrogryposis type 2B1 (DA2B1). Also called: Arthrogryposis multiplex congenita distal type II with craniofacial abnormalities. Identifiers: Orphanet 1147, MedGen C5193014, MONDO:0020820, OMIM 601680.
Freeman-Sheldon syndrome (DA2A). Also called: CRANIOCARPOTARSAL DYSPLASIA; CRANIOCARPOTARSAL DYSTROPHY; Arthrogryposis, distal, type 2A (Freeman-Sheldon); WHISTLING FACE-WINDMILL VANE HAND SYNDROME. Identifiers: Orphanet 2053, MedGen C0265224, MONDO:0008675, OMIM 193700.

Allele frequency attached by ClinVar (database versions not stated): ESP Exome Variant Server 0.10249; gnomAD exomes 0.12053 and 0.19916; gnomAD 0.14064 and 0.14977; TOPMed 0.16283; ExAC 0.18880; 1000 Genomes Project 30x 0.25578; 1000 Genomes Project 0.26098.
gnomAD v4.1: 198,897 of 1,599,252 alleles (12%); highest among the groups gnomAD compares: East Asian, 60%; 20,966 homozygotes.

Submissions (7):

Labcorp Genetics (formerly Invitae), Labcorp
Classification: Benign. Last evaluated: 2026-02-03. Review status: criteria provided, single submitter. Criteria: Invitae Variant Classification Sherloc (09022015). Collection method: clinical testing. Allele origin: germline.

GeneDx
Classification: Benign. Last evaluated: 2019-10-02. Review status: criteria provided, single submitter. Criteria: GeneDx Variant Classification Process June 2021. Collection method: clinical testing. Allele origin: germline. Affected: yes.

Illumina Laboratory Services, Illumina
Classification: Benign for Freeman-Sheldon syndrome. Last evaluated: 2018-01-13. Review status: criteria provided, single submitter. Criteria: ICSL Variant Classification Criteria 13 December 2019. Collection method: clinical testing. Allele origin: germline.
Comment: This variant was observed in the ICSL laboratory as part of a predisposition screen in an ostensibly healthy population. It had not been previously curated by ICSL or reported in the Human Gene Mutation Database (HGMD: prior to June 1st, 2018), and was therefore a candidate for classification through an automated scoring system. Utilizing variant allele frequency, disease prevalence and penetrance estimates, and inheritance mode, an automated score was calculated to assess if this variant is too frequent to cause the disease. Based on the score and internal cut-off values, a variant classified as benign is not then subjected to further curation. The score for this variant resulted in a classification of benign for this disease.

Illumina Laboratory Services, Illumina
Classification: Benign for Distal arthrogryposis type 2B1. Last evaluated: 2018-01-13. Review status: criteria provided, single submitter. Criteria: ICSL Variant Classification Criteria 13 December 2019. Collection method: clinical testing. Allele origin: germline.
Comment: the same text as in the submission from Illumina Laboratory Services, Illumina above.

Genetic Services Laboratory, University of Chicago
Classification: Benign for AllHighlyPenetrant. Last evaluated: 2013-08-15. Review status: criteria provided, single submitter. Criteria: ACMG Guidelines, 2007. Collection method: clinical testing. Allele origin: germline. Inheritance: Autosomal dominant inheritance.

Breakthrough Genomics
Classification: Benign. Review status: criteria provided, single submitter. Criteria: ACMG Guidelines, 2015. Collection method: not provided. Allele origin: germline. Inheritance: Autosomal recessive inheritance. Affected: yes.

PreventionGenetics, part of Exact Sciences
Classification: Benign. Review status: criteria provided, single submitter. Criteria: ACMG Guidelines, 2015. Collection method: clinical testing. Allele origin: germline.